The following is an entry in ClinVar:

NM_014874.4(MFN2):c.1306G>A (p.Glu436Lys)

Gene: MFN2 (mitofusin 2; plus strand). Cytogenetic location: 1p36.22.
Variant type: single nucleotide variant.
Coding change: c.1306G>A on transcript NM_014874.4 (MANE Select); coding-DNA position 1306, G replaced by A.
Protein change: p.Glu436Lys; replaces glutamic acid 436 with lysine.
Molecular consequence: missense variant.
Genome position (GRCh38, 1-based): chr1:12,004,527, G>A. VCF-style: chr1-12004527-G-A. GRCh37 (hg19) VCF-style: chr1-12064584-G-A.
Other names: c.1306G>A, p.Glu436Lys (NM_001127660.2); short protein forms E436K.
Identifiers: ClinVar variation 2919434 (VCV002919434.3), dbSNP rs1011639786, ClinGen allele CA18011325.

ClinVar aggregate classification (germline): Uncertain significance (1 of 4 stars; one submission).

Conditions:
Charcot-Marie-Tooth disease type 2. Also called: Charcot-Marie-Tooth type 2. Identifiers: Orphanet 64746, MedGen C0270914, MONDO:0018993.

Allele frequency attached by ClinVar (database versions not stated): TOPMed 0.00002; gnomAD exomes below 0.00001.
gnomAD v4.1: 2 of 1,614,152 alleles (0.00012%); highest among the groups gnomAD compares: African/African-American, 0.0013%; no homozygotes.

Submission:

Labcorp Genetics (formerly Invitae), Labcorp
Classification: Uncertain significance for Charcot-Marie-Tooth disease type 2. Last evaluated: 2024-08-11. Review status: criteria provided, single submitter. Criteria: Invitae Variant Classification Sherloc (09022015). Collection method: clinical testing. Allele origin: germline.
Comment: This sequence change replaces glutamic acid, which is acidic and polar, with lysine, which is basic and polar, at codon 436 of the MFN2 protein (p.Glu436Lys). This variant is present in population databases (no rsID available, gnomAD 0.007%). This variant has not been reported in the literature in individuals affected with MFN2-related conditions. Advanced modeling of protein sequence and biophysical properties (such as structural, functional, and spatial information, amino acid conservation, physicochemical variation, residue mobility, and thermodynamic stability) performed at Invitae indicates that this missense variant is expected to disrupt MFN2 protein function with a positive predictive value of 95%. In summary, the available evidence is currently insufficient to determine the role of this variant in disease. Therefore, it has been classified as a Variant of Uncertain Significance.